The following is an entry in ClinVar:

NM_014874.4(MFN2):c.2222T>C (p.Leu741Ser)

Gene: MFN2 (mitofusin 2; plus strand). Cytogenetic location: 1p36.22.
Variant type: single nucleotide variant.
Coding change: c.2222T>C on transcript NM_014874.4 (MANE Select); coding-DNA position 2222, T replaced by C.
Protein change: p.Leu741Ser; replaces leucine 741 with serine.
Molecular consequence: missense variant.
Genome position (GRCh38, 1-based): chr1:12,011,513, T>C. VCF-style: chr1-12011513-T-C. GRCh37 (hg19) VCF-style: chr1-12071570-T-C.
Other names: c.2222T>C, p.Leu741Ser (NM_001127660.2); short protein forms L741S.
Identifiers: ClinVar variation 585712 (VCV000585712.2), dbSNP rs1553146559, ClinGen allele CA338453889.

ClinVar aggregate classification (germline): Uncertain significance (1 of 4 stars; one submission).

Submission:

Athena Diagnostics
Classification: Uncertain significance. Last evaluated: 2024-12-23. Review status: criteria provided, single submitter. Criteria: Athena Diagnostics Criteria. Collection method: clinical testing. Allele origin: unknown.
Comment: Available data are insufficient to determine the clinical significance of the variant at this time. This variant has not been reported in large, multi-ethnic general populations. This variant has been identified in at least one individual with Charcot-Marie-Tooth disease. Polyphen and MutationTaster predict this amino acid change may be damaging to the protein. At least one other missense variant at this codon is considered to be pathogenic or likely pathogenic, suggesting this variant may also cause disease.

Literature cited by the submitters: PubMed 35027655; PubMed 28660751.